The following is an entry in ClinVar:

NM_001482.3(GATM):c.-2C>A

Genes: GATM (glycine amidinotransferase; minus strand), LOC130056991 (ATAC-STARR-seq lymphoblastoid silent region 6406; plus strand). Cytogenetic location: 15q21.1.
Variant type: single nucleotide variant.
Coding change: c.-2C>A on transcript NM_001482.3 (MANE Select); 2 bases upstream of the start codon, C replaced by A.
Molecular consequence: 5 prime UTR variant. On other transcripts: intron variant (1).
Genome position (GRCh38, 1-based): chr15:45,378,455, G>T on the plus strand (C>A on the coding strand, the complement: GATM is on the minus strand). VCF-style: chr15-45378455-G-T. GRCh37 (hg19) VCF-style: chr15-45670653-G-T.
Other names: c.-318-1636C>A (NM_001321015.2).
Identifiers: ClinVar variation 3384356 (VCV003384356.1).

ClinVar aggregate classification (germline): Uncertain significance (1 of 4 stars; one submission).

Submission:

GeneDx
Classification: Uncertain significance. Last evaluated: 2024-06-07. Review status: criteria provided, single submitter. Criteria: GeneDx Variant Classification Process June 2021. Collection method: clinical testing. Allele origin: germline. Affected: yes.
Comment: Not observed at significant frequency in large population cohorts (gnomAD); Nucleotide is not conserved across species and the substitution has no predicted effect on splicing; Has not been previously published as pathogenic or benign to our knowledge; Alters the Kozak sequence, which plays a major role in the initiation of translation